The following is an entry in ClinVar:

ClinVar aggregate classification (germline): Pathogenic (1 of 4 stars; one submission).

Conditions:
Charcot-Marie-Tooth disease axonal type 2P. Also called: CHARCOT-MARIE-TOOTH NEUROPATHY, TYPE 2P; CHARCOT-MARIE-TOOTH DISEASE, AXONAL, TYPE 2G; CMT 2G; Charcot-Marie-Tooth Neuropathy Type 2G. Identifiers: Orphanet 300319, Orphanet 99941, MedGen C3280797, MONDO:0013753, OMIM 614436.

Submission:

Labcorp Genetics (formerly Invitae), Labcorp
Classification: Pathogenic for Charcot-Marie-Tooth disease axonal type 2P. Last evaluated: 2023-02-23. Review status: criteria provided, single submitter. Criteria: Invitae Variant Classification Sherloc (09022015). Collection method: clinical testing. Allele origin: germline.
Comment: For these reasons, this variant has been classified as Pathogenic. This variant results in an extension of the LRSAM1 protein. Other variant(s) that result in a similarly extended protein product (p.Leu708Argfs*28, p.Ile713Serfs*43, p.Leu703Profs*30) have been observed in individuals with LRSAM1-related disease (PMID: 22012984, 30373780; Invitae). This suggests that these extensions may be clinically significant. This frameshift has been observed in individuals with autosomal dominant clinical features of Charcot-Marie-Tooth disease (PMID: 27848944). This variant is not present in population databases (gnomAD no frequency). This sequence change results in a frameshift in the LRSAM1 gene (p.His692Profs*39). While this is not anticipated to result in nonsense mediated decay, it is expected to disrupt the last 32 amino acid(s) of the LRSAM1 protein and extend the protein by 6 additional amino acid residues.

Literature cited by the submitters: PubMed 22012984; PubMed 30373780; PubMed 27848944.

NM_001005373.4(LRSAM1):c.2075_2087del (p.His692fs)

Gene: LRSAM1 (leucine rich repeat and sterile alpha motif containing 1; plus strand). Cytogenetic location: 9q34.11.
Variant type: Deletion.
Coding change: c.2075_2087del on transcript NM_001005373.4 (MANE Select); coding-DNA positions 2075 to 2087, 13 bases deleted (ACGTCTGCTGCTG).
Protein change: p.His692fs; shifts the reading frame from histidine 692.
Molecular consequence: frameshift variant. On other transcripts: non-coding transcript variant (2).
Genome position (GRCh38, 1-based): chr9:127,502,802-127,502,814, ACGTCTGCTGCTG deleted. VCF-style (leftmost placement, unchanged base first): chr9-127502801-CACGTCTGCTGCTG-C. GRCh37 (hg19) VCF-style: chr9-130265080-CACGTCTGCTGCTG-C.
Other names: c.2075_2087del, p.His692fs (NM_001005374.4, NM_001384142.1, NM_138361.5); c.1994_2006del, p.His665fs (NM_001190723.3); c.1976_1988del, p.His659fs (NM_001384143.1); c.1286_1298del, p.His429fs (NM_001384144.1); short protein forms H659fs, H429fs, H692fs, H665fs.
Identifiers: ClinVar variation 2735340 (VCV002735340.3), dbSNP rs2539470731, ClinGen allele CA2695211141.